The following is an entry in ClinVar:

NM_000363.5(TNNI3):c.549+5G>A

Gene: TNNI3 (troponin I3, cardiac type; minus strand). Cytogenetic location: 19q13.42.
Variant type: single nucleotide variant.
Coding change: c.549+5G>A on transcript NM_000363.5 (MANE Select); 5 bases into the intron after coding-DNA position 549, G replaced by A.
Molecular consequence: intron variant.
Genome position (GRCh38, 1-based): chr19:55,154,025, C>T on the plus strand (G>A on the coding strand, the complement: TNNI3 is on the minus strand). VCF-style: chr19-55154025-C-T. GRCh37 (hg19) VCF-style: chr19-55665393-C-T.
Identifiers: ClinVar variation 2999735 (VCV002999735.3), dbSNP rs2515498199, ClinGen allele CA2587243573.

ClinVar aggregate classification (germline): Uncertain significance (1 of 4 stars; one submission).

Conditions:
Hypertrophic cardiomyopathy. Also called: HYPERTROPHIC MYOCARDIOPATHY. Identifiers: Orphanet 217569, MedGen C0007194, MeSH D002312, MONDO:0005045, HP:0001639.

Allele frequency attached by ClinVar (database versions not stated): gnomAD exomes below 0.00001.
gnomAD v4.1: 2 of 1,611,532 alleles (0.00012%); highest among the groups gnomAD compares: Non-Finnish European, 0.000085%; no homozygotes.

Submission:

Labcorp Genetics (formerly Invitae), Labcorp
Classification: Uncertain significance for Hypertrophic cardiomyopathy. Last evaluated: 2025-04-02. Review status: criteria provided, single submitter. Criteria: Invitae Variant Classification Sherloc (09022015). Collection method: clinical testing. Allele origin: germline.
Comment: This sequence change falls in intron 7 of the TNNI3 gene. It does not directly change the encoded amino acid sequence of the TNNI3 protein. It affects a nucleotide within the consensus splice site. This variant is not present in population databases (gnomAD no frequency). This variant has not been reported in the literature in individuals affected with TNNI3-related conditions. ClinVar contains an entry for this variant (Variation ID: 2999735). Variants that disrupt the consensus splice site are a relatively common cause of aberrant splicing (PMID: 17576681, 9536098). Algorithms developed to predict the effect of sequence changes on RNA splicing suggest that this variant may create or strengthen a splice site. In summary, the available evidence is currently insufficient to determine the role of this variant in disease. Therefore, it has been classified as a Variant of Uncertain Significance.

Literature cited by the submitters: PubMed 17576681; PubMed 9536098.